The following is an entry in ClinVar:

ClinVar aggregate classification (germline): Likely benign (1 of 4 stars; one submission).

Submission:

Women's Health and Genetics/Laboratory Corporation of America, LabCorp
Classification: Likely benign. Last evaluated: 2026-04-30. Review status: criteria provided, single submitter. Criteria: LabCorp Variant Classification Summary - May 2015. Collection method: clinical testing. Allele origin: germline.
Comment: Variant summary: COL6A2 c.735+10_735+11delinsTT is a multinucleotide combination of [hg38] 21-46112834-G-T (c.735+10G>T); 21-46112835-C-T (c.735+11C>T) that alters nucleotides located at a position not widely known to affect splicing. Consensus agreement among computation tools predict no significant impact on normal splicing. However, these predictions have yet to be confirmed by functional studies. Based on the frequency of the least prevalent allele, namely c.735+10G>T, it can be estimated that the complex variant allele will be found at a frequency not to exceed 6.2e-07 in 1613542 control chromosomes. The available data on variant occurrences in the general population are insufficient to allow any conclusion about variant significance. To our knowledge, no occurrence of c.735+10_735+11delinsTT in individuals affected with COL6A2-related conditions and no experimental evidence demonstrating its impact on protein function have been reported. No submitters have cited clinical-significance assessments for this variant to ClinVar. Based on the evidence outlined above, the variant was classified as likely benign.

NM_001849.4(COL6A2):c.735+10_735+11delinsTT

Gene: COL6A2 (collagen type VI alpha 2 chain; plus strand). Cytogenetic location: 21q22.3.
Variant type: Indel.
Coding change: c.735+10_735+11delinsTT on transcript NM_001849.4 (MANE Select); bases 10 to 11 of the intron after coding-DNA position 735, GC replaced by TT.
Molecular consequence: intron variant.
Genome position (GRCh38, 1-based): chr21:46,112,834-46,112,835, GC replaced by TT. VCF-style: chr21-46112834-GC-TT. GRCh37 (hg19) VCF-style: chr21-47532748-GC-TT.
Other names: c.735+10_735+11delinsTT (NM_058175.3, NM_058174.3).
Identifiers: ClinVar variation 4849041 (VCV004849041.1).